The following is an entry in ClinVar:

ClinVar aggregate classification (germline): Likely benign. Review status: criteria provided, single submitter (1 of 4 stars). 2 submissions from 2 submitters: Likely benign (1). 1 of the submissions does not count toward it. Last evaluated 2023-06-14.

Conditions:
CPE-related disorder. Also called: CPE-related condition.

Allele frequency attached by ClinVar (database versions not stated): ExAC 0.00003; gnomAD exomes 0.00003; gnomAD 0.00005; TOPMed 0.00005; ESP Exome Variant Server 0.00015.
gnomAD v4.1: 54 of 1,612,816 alleles (0.0033%); highest among the groups gnomAD compares: Middle Eastern, 0.033%; 1 homozygote.

Submissions (2):

Blueprint Genetics
Classification: Likely benign. Last evaluated: 2023-06-14. Review status: criteria provided, single submitter. Criteria: ACMG Guidelines, 2015. Collection method: clinical testing. Allele origin: germline.

PreventionGenetics, part of Exact Sciences
Classification: Likely benign for CPE-related condition. Last evaluated: 2021-09-14. Review status: no assertion criteria provided. Collection method: clinical testing. Allele origin: germline. Not counted in ClinVar's aggregate classification.
Comment: This variant is classified as likely benign based on ACMG/AMP sequence variant interpretation guidelines (Richards et al. 2015 PMID: 25741868, with internal and published modifications).

NM_001873.4(CPE):c.973+3G>A

Gene: CPE (carboxypeptidase E; plus strand). Cytogenetic location: 4q32.3.
Variant type: single nucleotide variant.
Coding change: c.973+3G>A on transcript NM_001873.4 (MANE Select); 3 bases into the intron after coding-DNA position 973, G replaced by A.
Molecular consequence: intron variant.
Genome position (GRCh38, 1-based): chr4:165,484,607, G>A. VCF-style: chr4-165484607-G-A. GRCh37 (hg19) VCF-style: chr4-166405759-G-A.
Identifiers: ClinVar variation 3034803 (VCV003034803.3), dbSNP rs202153664, ClinGen allele CA3130330.